The following is an entry in ClinVar:

ClinVar aggregate classification (germline): Likely benign (1 of 4 stars; one submission).

Conditions:
OAT-related disorder. Also called: OAT-related condition.

gnomAD v4.1: 55 of 1,613,912 alleles (0.0034%); highest among the groups gnomAD compares: Non-Finnish European, 0.0042%; no homozygotes.

Submission:

PreventionGenetics, part of Exact Sciences
Classification: Likely benign for OAT-related condition. Last evaluated: 2025-09-06. Review status: criteria provided, single submitter. Criteria: ACMG Guidelines, 2015. Collection method: clinical testing. Allele origin: germline.
Comment: This variant is classified as likely benign based on ACMG/AMP sequence variant interpretation guidelines (Richards et al. 2015 PMID: 25741868, with internal and published modifications).

NM_000274.4(OAT):c.1227C>T (p.Gly409=)

Gene: OAT (ornithine aminotransferase; minus strand). Cytogenetic location: 10q26.13.
Variant type: single nucleotide variant.
Coding change: c.1227C>T on transcript NM_000274.4 (MANE Select); coding-DNA position 1227, C replaced by T.
Protein change: p.Gly409=; no amino-acid change (glycine 409 retained).
Molecular consequence: synonymous variant.
Genome position (GRCh38, 1-based): chr10:124,398,035, G>A on the plus strand (C>T on the coding strand, the complement: OAT is on the minus strand). VCF-style: chr10-124398035-G-A. GRCh37 (hg19) VCF-style: chr10-126086604-G-A.
Other names: c.813C>T, p.Gly271= (NM_001171814.2); c.1227C>T, p.Gly409= (NM_001322965.2, NM_001322966.2, NM_001322967.2 and 3 more transcripts); c.906C>T, p.Gly302= (NM_001322971.2); c.627C>T, p.Gly209= (NM_001322974.2).
Identifiers: ClinVar variation 4979562 (VCV004979562.1).